The following is an entry in ClinVar:

ClinVar aggregate classification (germline): Uncertain significance (1 of 4 stars; one submission).

Conditions:
Maturity-onset diabetes of the young (MODY). Also called: Maturity onset diabetes mellitus in young. Identifiers: Orphanet 552, MedGen C0342276, MONDO:0018911, HP:0004904.

Submission:

Ambry Genetics
Classification: Uncertain significance for Maturity-onset diabetes of the young. Last evaluated: 2019-09-20. Review status: criteria provided, single submitter. Criteria: Ambry Variant Classification Scheme 2023. Collection method: clinical testing. Allele origin: germline.
Comment: The p.Y166H variant (also known as c.496T>C), located in coding exon 2 of the HNF1A gene, results from a T to C substitution at nucleotide position 496. The tyrosine at codon 166 is replaced by histidine, an amino acid with similar properties. This amino acid position is highly conserved in available vertebrate species. In addition, this alteration is predicted to be deleterious by in silico analysis. Since supporting evidence is limited at this time, the clinical significance of this alteration remains unclear.

NM_000545.8(HNF1A):c.496T>C (p.Tyr166His)

Gene: HNF1A (HNF1 homeobox A; plus strand). Cytogenetic location: 12q24.31.
Variant type: single nucleotide variant.
Coding change: c.496T>C on transcript NM_000545.8 (MANE Select); coding-DNA position 496, T replaced by C.
Protein change: p.Tyr166His; replaces tyrosine 166 with histidine.
Molecular consequence: missense variant.
Genome position (GRCh38, 1-based): chr12:120,989,002, T>C. VCF-style: chr12-120989002-T-C. GRCh37 (hg19) VCF-style: chr12-121426805-T-C.
Other names: c.496T>C, p.Tyr166His (NM_001306179.2, NM_001406915.1); short protein forms Y166H.
Identifiers: ClinVar variation 1744462 (VCV001744462.2), dbSNP rs2499987928, ClinGen allele CA386960557.